The following is an entry in ClinVar:

NM_001379081.2(FREM1):c.1796G>A (p.Arg599His)

Gene: FREM1 (FRAS1 related extracellular matrix 1; minus strand). Cytogenetic location: 9p22.3.
Variant type: single nucleotide variant.
Coding change: c.1796G>A on transcript NM_001379081.2 (MANE Select); coding-DNA position 1796, G replaced by A.
Protein change: p.Arg599His; replaces arginine 599 with histidine.
Molecular consequence: missense variant. On other transcripts: non-coding transcript variant (2).
Genome position (GRCh38, 1-based): chr9:14,841,532, C>T on the plus strand (G>A on the coding strand, the complement: FREM1 is on the minus strand). VCF-style: chr9-14841532-C-T. GRCh37 (hg19) VCF-style: chr9-14841530-C-T.
Other names: c.1796G>A, p.Arg599His (NM_144966.7); c.1796G>A (NM_144966.5); short protein forms R599H.
Identifiers: ClinVar variation 2175256 (VCV002175256.6), dbSNP rs61747865, ClinGen allele CA4991129.

ClinVar aggregate classification (germline): Uncertain significance. Review status: criteria provided, multiple submitters, no conflicts (2 of 4 stars). 3 submissions from 3 submitters: Uncertain significance (3). Last evaluated 2024-12-14.

Conditions:
Inborn genetic diseases. Identifiers: MedGen C0950123, MeSH D030342.
BNAR syndrome. Also called: Bifid Nose With or Without Anorectal and Renal Anomalies (BNAR) Syndrome. Identifiers: Orphanet 217266, MedGen C2750433, MONDO:0012165, OMIM 608980.
Oculotrichoanal syndrome (MOTA). Also called: MARLES SYNDROME; Manitoba Oculotrichoanal (MOTA) Syndrome. Identifiers: Orphanet 2717, MedGen C1855425, MONDO:0009560, OMIM 248450.
Trigonocephaly 2 (TRIGNO2). Identifiers: Orphanet 3366, MedGen C3280974, MONDO:0013774, OMIM 614485.

Allele frequency attached by ClinVar (database versions not stated): gnomAD 0.00007; 1000 Genomes Project 30x 0.00016; ESP Exome Variant Server 0.00017; ExAC 0.00004; 1000 Genomes Project 0.00020; TOPMed 0.00009.
gnomAD v4.1: 181 of 1,611,666 alleles (0.011%); highest among the groups gnomAD compares: Non-Finnish European, 0.014%; no homozygotes.

Submissions (3):

Ambry Genetics
Classification: Uncertain significance for Inborn genetic diseases. Last evaluated: 2024-12-14. Review status: criteria provided, single submitter. Criteria: Ambry Variant Classification Scheme 2023. Collection method: clinical testing. Allele origin: germline.

Fulgent Genetics
Classification: Uncertain significance for Oculotrichoanal syndrome; BNAR syndrome; Trigonocephaly 2. Last evaluated: 2024-05-06. Review status: criteria provided, single submitter. Criteria: ACMG Guidelines, 2015. Collection method: clinical testing. Allele origin: germline.

Labcorp Genetics (formerly Invitae), Labcorp
Classification: Uncertain significance. Last evaluated: 2022-01-12. Review status: criteria provided, single submitter. Criteria: Invitae Variant Classification Sherloc (09022015). Collection method: clinical testing. Allele origin: germline.
Comment: In summary, the available evidence is currently insufficient to determine the role of this variant in disease. Therefore, it has been classified as a Variant of Uncertain Significance. Algorithms developed to predict the effect of missense changes on protein structure and function output the following: SIFT: "Tolerated"; PolyPhen-2: "Benign"; Align-GVGD: "Class C0". The histidine amino acid residue is found in multiple mammalian species, which suggests that this missense change does not adversely affect protein function. This variant has not been reported in the literature in individuals affected with FREM1-related conditions. This variant is present in population databases (rs61747865, gnomAD 0.01%). This sequence change replaces arginine, which is basic and polar, with histidine, which is basic and polar, at codon 599 of the FREM1 protein (p.Arg599His).